The following is an entry in ClinVar:

ClinVar aggregate classification (germline): Likely benign. Review status: criteria provided, multiple submitters, no conflicts (2 of 4 stars). 3 submissions from 3 submitters: Likely benign (2). 1 of the submissions does not count toward it. Last evaluated 2026-01-11.

Conditions:
KIF5A-related disorder. Also called: KIF5A-related disorders; KIF5A-related condition.
Spastic paraplegia. Identifiers: MedGen C0037772, HP:0001258.

Allele frequency attached by ClinVar (database versions not stated): ExAC 0.00005; gnomAD 0.00005 and 0.00013; gnomAD exomes 0.00006 and 0.00008; TOPMed 0.00014; ESP Exome Variant Server 0.00015.
gnomAD v4.1: 132 of 1,614,020 alleles (0.0082%); highest among the groups gnomAD compares: Non-Finnish European, 0.01%; no homozygotes.

Submissions (3):

Labcorp Genetics (formerly Invitae), Labcorp
Classification: Likely benign for Spastic paraplegia. Last evaluated: 2026-01-11. Review status: criteria provided, single submitter. Criteria: Invitae Variant Classification Sherloc (09022015). Collection method: clinical testing. Allele origin: germline.

Blueprint Genetics
Classification: Likely benign. Last evaluated: 2024-03-06. Review status: criteria provided, single submitter. Criteria: ACMG Guidelines, 2015. Collection method: clinical testing. Allele origin: germline.

PreventionGenetics, part of Exact Sciences
Classification: Likely benign for KIF5A-related condition. Last evaluated: 2020-03-13. Review status: no assertion criteria provided. Collection method: clinical testing. Allele origin: germline. Not counted in ClinVar's aggregate classification.
Comment: This variant is classified as likely benign based on ACMG/AMP sequence variant interpretation guidelines (Richards et al. 2015 PMID: 25741868, with internal and published modifications).

NM_004984.4(KIF5A):c.261G>A (p.Gln87=)

Gene: KIF5A (kinesin family member 5A; plus strand). Cytogenetic location: 12q13.3.
Variant type: single nucleotide variant.
Coding change: c.261G>A on transcript NM_004984.4 (MANE Select); coding-DNA position 261, G replaced by A.
Protein change: p.Gln87=; no amino-acid change (glutamine 87 retained).
Molecular consequence: synonymous variant. On other transcripts: intron variant (1).
Genome position (GRCh38, 1-based): chr12:57,563,663, G>A. VCF-style: chr12-57563663-G-A. GRCh37 (hg19) VCF-style: chr12-57957446-G-A.
Other names: c.130-797G>A (NM_001354705.2).
Identifiers: ClinVar variation 696748 (VCV000696748.12), dbSNP rs369673537, ClinGen allele CA6652542.
Genomic context (GRCh38, chr12:57,563,663, plus strand): 5'-TCTACTGTCTCTTCCAGATGTCCTTGCTGGCTACAATGGCACCATTTTTGCTTATGGACA[G>A]ACATCCTCAGGGAAAACACATACCATGGAGGTGAGGGTTCTGGCTTTGGTGGTTGAGGGG-3'
Protein context (NP_004975.2, residues 77-97): GYNGTIFAYG[Gln87=]TSSGKTHTME